The following is an entry in ClinVar:

ClinVar aggregate classification (germline): Uncertain significance. Review status: criteria provided, multiple submitters, no conflicts (2 of 4 stars). 2 submissions from 2 submitters: Uncertain significance (2). Last evaluated 2026-02-02.

Allele frequency attached by ClinVar (database versions not stated): gnomAD 0.00001; gnomAD exomes 0.00003 and 0.00008; TOPMed 0.00004; ExAC 0.00007; ESP Exome Variant Server 0.00015.
gnomAD v4.1: 58 of 1,614,160 alleles (0.0036%); highest among the groups gnomAD compares: Non-Finnish European, 0.00042%; no homozygotes.

Submissions (2):

Labcorp Genetics (formerly Invitae), Labcorp
Classification: Uncertain significance. Last evaluated: 2026-02-02. Review status: criteria provided, single submitter. Criteria: Invitae Variant Classification Sherloc (09022015). Collection method: clinical testing. Allele origin: germline.
Comment: This sequence change replaces glutamic acid, which is acidic and polar, with glycine, which is neutral and non-polar, at codon 346 of the TNFRSF11A protein (p.Glu346Gly). This variant is present in population databases (rs143775083, gnomAD 0.2%). This variant has not been reported in the literature in individuals affected with TNFRSF11A-related conditions. ClinVar contains an entry for this variant (Variation ID: 290778). An algorithm developed to predict the effect of missense changes on protein structure and function (PolyPhen-2) suggests that this variant is likely to be disruptive. In summary, the available evidence is currently insufficient to determine the role of this variant in disease. Therefore, it has been classified as a Variant of Uncertain Significance.

Eurofins Ntd Llc (ga)
Classification: Uncertain significance. Last evaluated: 2016-09-15. Review status: criteria provided, single submitter. Criteria: EGL Classification Definitions 2015. Collection method: clinical testing. Allele origin: germline. Observed: 1 variant allele, 1 heterozygote.

NM_003839.4(TNFRSF11A):c.1037A>G (p.Glu346Gly)

Gene: TNFRSF11A (TNF receptor superfamily member 11a; plus strand). Cytogenetic location: 18q21.33.
Variant type: single nucleotide variant.
Coding change: c.1037A>G on transcript NM_003839.4 (MANE Select); coding-DNA position 1037, A replaced by G.
Protein change: p.Glu346Gly; replaces glutamic acid 346 with glycine.
Molecular consequence: missense variant. On other transcripts: intron variant (3).
Genome position (GRCh38, 1-based): chr18:62,368,954, A>G. VCF-style: chr18-62368954-A-G. GRCh37 (hg19) VCF-style: chr18-60036187-A-G.
Other names: c.995A>G, p.Glu332Gly (NM_001278268.2); c.783+2194A>G (NM_001270949.2); c.730+7161A>G (NM_001270950.2); c.616+8905A>G (NM_001270951.2); short protein forms E346G, E332G.
Identifiers: ClinVar variation 290778 (VCV000290778.12), dbSNP rs143775083, ClinGen allele CA8983910.